The following is an entry in ClinVar:

NM_198503.5(KCNT2):c.2789T>A (p.Ile930Asn)

Gene: KCNT2 (potassium sodium-activated channel subfamily T member 2; minus strand). Cytogenetic location: 1q31.3.
Variant type: single nucleotide variant.
Coding change: c.2789T>A on transcript NM_198503.5 (MANE Select); coding-DNA position 2789, T replaced by A.
Protein change: p.Ile930Asn; replaces isoleucine 930 with asparagine.
Molecular consequence: missense variant. On other transcripts: non-coding transcript variant (2).
Genome position (GRCh38, 1-based): chr1:196,280,981, A>T on the plus strand (T>A on the coding strand, the complement: KCNT2 is on the minus strand). VCF-style: chr1-196280981-A-T. GRCh37 (hg19) VCF-style: chr1-196250111-A-T.
Other names: c.2717T>A, p.Ile906Asn (NM_001287819.3); c.2567T>A, p.Ile856Asn (NM_001287820.3); short protein forms I856N, I906N, I930N.
Identifiers: ClinVar variation 3343204 (VCV003343204.1).

ClinVar aggregate classification (germline): Uncertain significance (1 of 4 stars; one submission).

Submission:

GeneDx
Classification: Uncertain significance. Last evaluated: 2023-05-01. Review status: criteria provided, single submitter. Criteria: GeneDx Variant Classification Process June 2021. Collection method: clinical testing. Allele origin: germline. Affected: yes.
Comment: Not observed at significant frequency in large population cohorts (gnomAD); In silico analysis supports that this missense variant has a deleterious effect on protein structure/function; Has not been previously published as pathogenic or benign to our knowledge